The following is an entry in ClinVar:

ClinVar aggregate classification (germline): Conflicting classifications of pathogenicity. Review status: criteria provided, conflicting classifications (1 of 4 stars). 3 submissions from 3 submitters: Uncertain significance (2); Likely benign (1). Last evaluated 2026-09-13.

Conditions:
Ehlers-Danlos syndrome, classic type, 1 (EDSCL1). Also called: Ehlers-Danlos syndrome, type 1; EHLERS-DANLOS SYNDROME, GRAVIS TYPE; EHLERS-DANLOS SYNDROME, SEVERE CLASSIC TYPE; Ehlers-Danlos Syndrome, Classic Type, COL5A1-Related; EDS I. Identifiers: MedGen C0268335, MONDO:0019567, OMIM 130000.
Familial thoracic aortic aneurysm and aortic dissection (TAAD). Also called: Thoracic aortic aneurysms and dissections. Identifiers: Orphanet 91387, MedGen C4707243, MONDO:0019625.

Submissions (3):

Ambry Genetics
Classification: Likely benign for Familial thoracic aortic aneurysm and aortic dissection. Last evaluated: 2026-09-13. Review status: criteria provided, single submitter. Criteria: Ambry Variant Classification Scheme 2023. Collection method: clinical testing. Allele origin: germline.

Labcorp Genetics (formerly Invitae), Labcorp
Classification: Uncertain significance for Ehlers-Danlos syndrome, classic type, 1. Last evaluated: 2025-09-16. Review status: criteria provided, single submitter. Criteria: Invitae Variant Classification Sherloc (09022015). Collection method: clinical testing. Allele origin: germline.
Comment: This sequence change replaces serine, which is neutral and polar, with asparagine, which is neutral and polar, at codon 425 of the COL5A1 protein (p.Ser425Asn). This variant is not present in population databases (gnomAD no frequency). This variant has not been reported in the literature in individuals affected with COL5A1-related conditions. ClinVar contains an entry for this variant (Variation ID: 2770647). Invitae Evidence Modeling of protein sequence and biophysical properties (such as structural, functional, and spatial information, amino acid conservation, physicochemical variation, residue mobility, and thermodynamic stability) indicates that this missense variant is not expected to disrupt COL5A1 protein function with a negative predictive value of 95%. In summary, the available evidence is currently insufficient to determine the role of this variant in disease. Therefore, it has been classified as a Variant of Uncertain Significance.

GeneDx
Classification: Uncertain significance. Last evaluated: 2024-06-21. Review status: criteria provided, single submitter. Criteria: GeneDx Variant Classification Process June 2021. Collection method: clinical testing. Allele origin: germline. Affected: yes.
Comment: Not observed at significant frequency in large population cohorts (gnomAD); In silico analysis indicates that this missense variant does not alter protein structure/function; Has not been previously published as pathogenic or benign to our knowledge

NM_000093.5(COL5A1):c.1274G>A (p.Ser425Asn)

Gene: COL5A1 (collagen type V alpha 1 chain; plus strand). Cytogenetic location: 9q34.3.
Variant type: single nucleotide variant.
Coding change: c.1274G>A on transcript NM_000093.5 (MANE Select); coding-DNA position 1274, G replaced by A.
Protein change: p.Ser425Asn; replaces serine 425 with asparagine.
Molecular consequence: missense variant.
Genome position (GRCh38, 1-based): chr9:134,731,605, G>A. VCF-style: chr9-134731605-G-A. GRCh37 (hg19) VCF-style: chr9-137623451-G-A.
Other names: c.1274G>A, p.Ser425Asn (NM_001278074.1); c.1274G>A (NM_000093.3); short protein forms S425N.
Identifiers: ClinVar variation 2770647 (VCV002770647.5), dbSNP rs1834883286, ClinGen allele CA375451054.